The following is an entry in ClinVar:

ClinVar aggregate classification (germline): Uncertain significance (1 of 4 stars; one submission).

Conditions:
Inborn genetic diseases. Identifiers: MedGen C0950123, MeSH D030342.

Submission:

Ambry Genetics
Classification: Uncertain significance for Inborn genetic diseases. Last evaluated: 2024-03-01. Review status: criteria provided, single submitter. Criteria: Ambry Variant Classification Scheme 2023. Collection method: clinical testing. Allele origin: germline.
Comment: The p.G891W variant (also known as c.2671G>T), located in coding exon 16 of the CDH2 gene, results from a G to T substitution at nucleotide position 2671. The glycine at codon 891 is replaced by tryptophan, an amino acid with highly dissimilar properties. This amino acid position is conserved. In addition, this alteration is predicted to be deleterious by in silico analysis. Based on the available evidence, the clinical significance of this alteration remains unclear.

NM_001792.5(CDH2):c.2671G>T (p.Gly891Trp)

Genes: CDH2 (cadherin 2; minus strand), CDH2-AS1 (CDH2 antisense RNA 1; plus strand). Cytogenetic location: 18q12.1.
Variant type: single nucleotide variant.
Coding change: c.2671G>T on transcript NM_001792.5 (MANE Select); coding-DNA position 2671, G replaced by T.
Protein change: p.Gly891Trp; replaces glycine 891 with tryptophan.
Molecular consequence: missense variant.
Genome position (GRCh38, 1-based): chr18:27,952,203, C>A on the plus strand (G>T on the coding strand, the complement: CDH2 is on the minus strand). VCF-style: chr18-27952203-C-A. GRCh37 (hg19) VCF-style: chr18-25532167-C-A.
Other names: c.2578G>T, p.Gly860Trp (NM_001308176.2); short protein forms G860W, G891W.
Identifiers: ClinVar variation 3221793 (VCV003221793.1), dbSNP rs764584049, ClinGen allele CA402101009.
Genomic context (GRCh38, chr18:27,952,203, plus strand): 5'-ACCCTGAAGTTCAGTCATCACCTCCACCATACATGTCAGCAAGTTTCTTGAACCGTGGCC[C>A]CCAGTCGTTCAGGTAATCATAGTCCTGCTCACCACCACTACTTGAGGAATTAAGGGAGCT-3'
Protein context (NP_001783.2, residues 881-901): EQDYDYLNDW[Gly891Trp]PRFKKLADMY